The following is an entry in ClinVar:

NM_000044.6(AR):c.2329_2333dup (p.Lys778fs)

Gene: AR (androgen receptor; plus strand). Cytogenetic location: Xq12.
Variant type: Duplication.
Coding change: c.2329_2333dup on transcript NM_000044.6 (MANE Select); coding-DNA positions 2329 to 2333, 5 bases duplicated (CACAA; older notation c.2329_2333dupCACAA).
Protein change: p.Lys778fs; shifts the reading frame from lysine 778.
Molecular consequence: frameshift variant.
Genome position (GRCh38, 1-based): chrX:67,721,843-67,721,847, CACAA duplicated. VCF-style (leftmost placement, unchanged base first): chrX-67721842-G-GCACAA. GRCh37 (hg19) VCF-style: chrX-66941684-G-GCACAA.
Other names: c.733_737dup, p.Lys246fs (NM_001011645.3); short protein forms K246fs, K778fs.
Identifiers: ClinVar variation 4786681 (VCV004786681.1).

ClinVar aggregate classification (germline): Pathogenic (1 of 4 stars; one submission).

Conditions:
Androgen resistance syndrome (AIS). Also called: ANDROGEN RECEPTOR DEFICIENCY; DIHYDROTESTOSTERONE RECEPTOR DEFICIENCY; TESTICULAR FEMINIZATION SYNDROME; DHTR DEFICIENCY; Androgen insensitivity syndrome; Androgen insensitivity. Identifiers: Orphanet 754, Orphanet 99429, MedGen C0039585, MONDO:0019154, OMIM 300068. Disease mechanism: loss of function.
Kennedy disease (SMAX1). Also called: SPINAL AND BULBAR MUSCULAR ATROPHY, X-LINKED 1; KENNEDY SPINAL AND BULBAR MUSCULAR ATROPHY; Spinal and Bulbar Muscular Atrophy. Identifiers: Orphanet 481, MedGen C1839259, MONDO:0010735, OMIM 313200.

Submission:

Labcorp Genetics (formerly Invitae), Labcorp
Classification: Pathogenic for Kennedy disease; Androgen resistance syndrome. Last evaluated: 2025-11-11. Review status: criteria provided, single submitter. Criteria: Invitae Variant Classification Sherloc (09022015). Collection method: clinical testing. Allele origin: germline.
Comment: This sequence change creates a premature translational stop signal (p.Lys778Asnfs*13) in the AR gene. It is expected to result in an absent or disrupted protein product. Loss-of-function variants in AR are known to be pathogenic (PMID: 19463997). This variant is not present in population databases (gnomAD no frequency). This variant has not been reported in the literature in individuals affected with AR-related conditions. For these reasons, this variant has been classified as Pathogenic.

Literature cited by the submitters: PubMed 19463997.